The following is an entry in ClinVar:

NM_022124.6(CDH23):c.7655dup (p.Val2553fs)

Gene: CDH23 (cadherin related 23; plus strand). Cytogenetic location: 10q22.1.
Variant type: Duplication.
Coding change: c.7655dup on transcript NM_022124.6 (MANE Select); coding-DNA position 7655, one base duplicated (G; older notation c.7655dupG).
Protein change: p.Val2553fs; shifts the reading frame from valine 2553.
Molecular consequence: frameshift variant.
Genome position (GRCh38, 1-based): chr10:71,803,070, G duplicated; the last of 2 consecutive G bases (chr10:71,803,069-71,803,070); duplicating either gives the same sequence. VCF-style (leftmost placement, unchanged base first): chr10-71803068-T-TG. GRCh37 (hg19) VCF-style: chr10-73562825-T-TG.
Other names: c.935dup, p.Val313fs (NM_001171933.1, NM_001171934.1); short protein forms V2553fs, V313fs.
Identifiers: ClinVar variation 4064193 (VCV004064193.2).

ClinVar aggregate classification (germline): Likely pathogenic (1 of 4 stars; one submission).

Conditions:
Usher syndrome type 1 (USH1). Also called: RETINITIS PIGMENTOSA AND CONGENITAL DEAFNESS. Identifiers: Orphanet 231169, Orphanet 886, MedGen C1568247, MONDO:0010168, OMIM 276900.

Submission:

Natera, Inc.
Classification: Likely pathogenic for Usher syndrome type 1. Last evaluated: 2025-01-17. Review status: criteria provided, single submitter. Criteria: Natera Variant Classification Schema (03/2026). Collection method: clinical testing. Allele origin: germline.
Comment: The c.7655dup variant in CDH23 is a frameshift variant predicted to shift the reading frame beginning at codon 2553 and leads to a stop codon 54 codons downstream. This variant is expected to result in nonsense mediated decay, truncation, or a dysfunctional protein product. This variant is rare in the general population with a frequency below the threshold expected for the associated phenotype(s). Given the available evidence, this variant is classified as Likely Pathogenic.